The following is an entry in ClinVar:

NM_000492.4(CFTR):c.3598A>G (p.Lys1200Glu)

Genes: CFTR (CF transmembrane conductance regulator; plus strand), CFTR-AS2 (CFTR antisense RNA 2; minus strand). Cytogenetic location: 7q31.2.
Variant type: single nucleotide variant.
Coding change: c.3598A>G on transcript NM_000492.4 (MANE Select); coding-DNA position 3598, A replaced by G.
Protein change: p.Lys1200Glu; replaces lysine 1200 with glutamic acid.
Molecular consequence: missense variant.
Genome position (GRCh38, 1-based): chr7:117,627,651, A>G. VCF-style: chr7-117627651-A-G. GRCh37 (hg19) VCF-style: chr7-117267705-A-G.
Other names: short protein forms K1200E.
Identifiers: ClinVar variation 3336499 (VCV003336499.1).

ClinVar aggregate classification (germline): Uncertain significance (1 of 4 stars; one submission).

Submission:

Women's Health and Genetics/Laboratory Corporation of America, LabCorp
Classification: Uncertain significance. Last evaluated: 2024-05-30. Review status: criteria provided, single submitter. Criteria: LabCorp Variant Classification Summary - May 2015. Collection method: clinical testing. Allele origin: germline.
Comment: Variant summary: CFTR c.3598A>G (p.Lys1200Glu) results in a conservative amino acid change in the encoded protein sequence. Five of five in-silico tools predict a benign effect of the variant on protein function. The variant was absent in 250440 control chromosomes (gnomAD). The available data on variant occurrences in the general population are insufficient to allow any conclusion about variant significance. c.3598A>G has been reported in the literature in individuals affected with cystic fibrosis (example: Claustres_2000, Fanen_1992, Kramer_2006). However, these reports do not provide unequivocal conclusions about association of the variant with Cystic Fibrosis. To our knowledge, no experimental evidence demonstrating an impact on protein function has been reported. The following publications have been ascertained in the context of this evaluation (PMID: 10923036, 7689902, 1379210, 16959918, 16049310). No submitters have cited clinical-significance assessments for this variant to ClinVar. Based on the evidence outlined above, the variant was classified as uncertain significance.

Literature cited by the submitters: PubMed 1379210; PubMed 16049310; PubMed 10923036; PubMed 7689902; PubMed 16959918.